The following is an entry in ClinVar:

ClinVar aggregate classification (germline): Uncertain significance (1 of 4 stars; one submission).

Conditions:
Hereditary cancer-predisposing syndrome. Also called: Tumor predisposition; Neoplastic Syndromes, Hereditary; Hereditary neoplastic syndrome; Hereditary Cancer Syndrome. Identifiers: Orphanet 140162, MedGen C0027672, MeSH D009386, MONDO:0015356.

Submission:

Ambry Genetics
Classification: Uncertain significance for Hereditary cancer-predisposing syndrome. Last evaluated: 2024-08-09. Review status: criteria provided, single submitter. Criteria: Ambry Variant Classification Scheme 2023. Collection method: clinical testing. Allele origin: germline.
Comment: The p.A317G variant (also known as c.950C>G), located in coding exon 11 of the BAP1 gene, results from a C to G substitution at nucleotide position 950. The alanine at codon 317 is replaced by glycine, an amino acid with similar properties. This amino acid position is conserved. In addition, this alteration is predicted to be tolerated by in silico analysis. Based on the available evidence, the clinical significance of this variant remains unclear.

NM_004656.4(BAP1):c.950C>G (p.Ala317Gly)

Gene: BAP1 (BRCA1 associated deubiquitinase 1; minus strand). Cytogenetic location: 3p21.1.
Variant type: single nucleotide variant.
Coding change: c.950C>G on transcript NM_004656.4 (MANE Select); coding-DNA position 950, C replaced by G.
Protein change: p.Ala317Gly; replaces alanine 317 with glycine.
Molecular consequence: missense variant.
Genome position (GRCh38, 1-based): chr3:52,405,276, G>C on the plus strand (C>G on the coding strand, the complement: BAP1 is on the minus strand). VCF-style: chr3-52405276-G-C. GRCh37 (hg19) VCF-style: chr3-52439292-G-C.
Other names: c.896C>G, p.Ala299Gly (NM_001410772.1); short protein forms A299G, A317G.
Identifiers: ClinVar variation 3477419 (VCV003477419.1).